The following is an entry in ClinVar:

NM_002303.6(LEPR):c.2003T>A (p.Met668Lys)

Genes: LEPR (leptin receptor; plus strand), LOC122094844 (Sharpr-MPRA regulatory region 5730; plus strand). Cytogenetic location: 1p31.3.
Variant type: single nucleotide variant.
Coding change: c.2003T>A on transcript NM_002303.6 (MANE Select); coding-DNA position 2003, T replaced by A.
Protein change: p.Met668Lys; replaces methionine 668 with lysine.
Molecular consequence: missense variant.
Genome position (GRCh38, 1-based): chr1:65,616,015, T>A. VCF-style: chr1-65616015-T-A. GRCh37 (hg19) VCF-style: chr1-66081698-T-A.
Other names: c.2003T>A, p.Met668Lys (NM_001003679.3, NM_001003680.3, NM_001198687.2 and 2 more transcripts); short protein forms M668K.
Identifiers: ClinVar variation 4997783 (VCV004997783.1).

ClinVar aggregate classification (germline): Uncertain significance (1 of 4 stars; one submission).

Conditions:
LEPR-related disorder. Also called: LEPR-related disorders; LEPR-related condition.

gnomAD v4.1: 1 of 1,614,116 alleles (0.000062%); highest among the groups gnomAD compares: Non-Finnish European, 0.000085%; no homozygotes.

Submission:

PreventionGenetics, part of Exact Sciences
Classification: Uncertain significance for LEPR-related condition. Last evaluated: 2025-12-29. Review status: criteria provided, single submitter. Criteria: ACMG Guidelines, 2015. Collection method: clinical testing. Allele origin: germline.
Comment: The LEPR c.2003T>A variant is predicted to result in the amino acid substitution p.Met668Lys. In vitro functional studies showed this variant did not reduce protein function and could cause increased protein function (Supplemental Data Set 3, Shah et al. 2023. PubMed ID: 36864747). To our knowledge, this variant has not been reported in a large population database (gnomAD), indicating this variant is rare. At this time, the clinical significance of this variant is uncertain due to the absence of conclusive functional and genetic evidence.